The following is an entry in ClinVar:

ClinVar aggregate classification (germline): Uncertain significance (1 of 4 stars; one submission).

Conditions:
Charcot-Marie-Tooth disease type 4. Also called: Charcot-Marie-Tooth, Type 4; Charcot-Marie-Tooth disease, type IV. Identifiers: Orphanet 64749, MedGen C4082197, MONDO:0018995.

Submission:

Labcorp Genetics (formerly Invitae), Labcorp
Classification: Uncertain significance for Charcot-Marie-Tooth disease type 4. Last evaluated: 2021-10-28. Review status: criteria provided, single submitter. Criteria: Invitae Variant Classification Sherloc (09022015). Collection method: clinical testing. Allele origin: germline.
Comment: In summary, the available evidence is currently insufficient to determine the role of this variant in disease. Therefore, it has been classified as a Variant of Uncertain Significance. Algorithms developed to predict the effect of missense changes on protein structure and function are either unavailable or do not agree on the potential impact of this missense change (SIFT: "Deleterious"; PolyPhen-2: "Possibly Damaging"; Align-GVGD: "Class C0"). This variant has not been reported in the literature in individuals affected with PRX-related conditions. This variant is not present in population databases (gnomAD no frequency). This sequence change replaces proline, which is neutral and non-polar, with arginine, which is basic and polar, at codon 777 of the PRX protein (p.Pro777Arg).

NM_181882.3(PRX):c.2330C>G (p.Pro777Arg)

Gene: PRX (periaxin; minus strand). Cytogenetic location: 19q13.2.
Variant type: single nucleotide variant.
Coding change: c.2330C>G on transcript NM_181882.3 (MANE Select); coding-DNA position 2330, C replaced by G.
Protein change: p.Pro777Arg; replaces proline 777 with arginine.
Molecular consequence: missense variant. On other transcripts: 3 prime UTR variant (1).
Genome position (GRCh38, 1-based): chr19:40,396,022, G>C on the plus strand (C>G on the coding strand, the complement: PRX is on the minus strand). VCF-style: chr19-40396022-G-C. GRCh37 (hg19) VCF-style: chr19-40901929-G-C.
Other names: c.*2535C>G (NM_020956.2); short protein forms P777R.
Identifiers: ClinVar variation 1462327 (VCV001462327.6), dbSNP rs2079431092, ClinGen allele CA405896520.
Genomic context (GRCh38, chr19:40,396,022, plus strand): 5'-AATTCCATCCCTTCTGCCTGTTCTGCCTTGGTGGCCTTTAGCTGCACCTCCGGAGCCCTG[G>C]GCAGCTTCACCTCTGGTGCCTTCGGAAGATGCACGTCGGGAACCTTCGGCACTTGCATTT-3'
Protein context (NP_870998.2, residues 767-787): HLPKAPEVKL[Pro777Arg]RAPEVQLKAT